The following is an entry in ClinVar:

NM_025179.4(PLXNA2):c.3875-4A>G

Gene: PLXNA2 (plexin A2; minus strand). Cytogenetic location: 1q32.2.
Variant type: single nucleotide variant.
Coding change: c.3875-4A>G on transcript NM_025179.4 (MANE Select); 4 bases into the intron before coding-DNA position 3875, A replaced by G.
Molecular consequence: intron variant.
Genome position (GRCh38, 1-based): chr1:208,043,207, T>C on the plus strand (A>G on the coding strand, the complement: PLXNA2 is on the minus strand). VCF-style: chr1-208043207-T-C. GRCh37 (hg19) VCF-style: chr1-208216552-T-C.
Identifiers: ClinVar variation 3354436 (VCV003354436.1).
Genomic context (GRCh38, chr1:208,043,207, plus strand): 5'-CTGAGCGGTCCAGGTCACTGGTCAACTCATTGATATCCGTCTGGAGCTCAGCAAAAGCTA[T>C]GAGAATAAGCAGACGGAGAGGCTCGTGGGGAAGCCCCAGTCGGGGGAGGAGAAAGAGGGA-3'

ClinVar aggregate classification (germline): Likely benign (0 of 4 stars; one submission).

Conditions:
PLXNA2-related disorder. Also called: PLXNA2-related condition.

gnomAD v4.1: 24 of 1,613,440 alleles (0.0015%); highest among the groups gnomAD compares: Non-Finnish European, 0.002%; no homozygotes.

Submission:

PreventionGenetics, part of Exact Sciences
Classification: Likely benign for PLXNA2-related condition. Last evaluated: 2024-01-02. Review status: no assertion criteria provided. Collection method: clinical testing. Allele origin: germline.
Comment: This variant is classified as likely benign based on ACMG/AMP sequence variant interpretation guidelines (Richards et al. 2015 PMID: 25741868, with internal and published modifications).